The following is an entry in ClinVar:

NM_000233.4(LHCGR):c.590C>T (p.Thr197Met)

Genes: LHCGR (luteinizing hormone/choriogonadotropin receptor; minus strand), STON1-GTF2A1L (STON1-GTF2A1L readthrough; plus strand). Cytogenetic location: 2p16.3.
Variant type: single nucleotide variant.
Coding change: c.590C>T on transcript NM_000233.4 (MANE Select); coding-DNA position 590, C replaced by T.
Protein change: p.Thr197Met; replaces threonine 197 with methionine.
Molecular consequence: missense variant. On other transcripts: intron variant (1).
Genome position (GRCh38, 1-based): chr2:48,714,001, G>A on the plus strand (C>T on the coding strand, the complement: LHCGR is on the minus strand). VCF-style: chr2-48714001-G-A. GRCh37 (hg19) VCF-style: chr2-48941140-G-A.
Other names: c.3441+42321G>A (NM_001198593.2); short protein forms T197M.
Identifiers: ClinVar variation 2302434 (VCV002302434.4), dbSNP rs767900216, ClinGen allele CA1653264.

ClinVar aggregate classification (germline): Uncertain significance. Review status: criteria provided, multiple submitters, no conflicts (2 of 4 stars). 2 submissions from 2 submitters: Uncertain significance (2). Last evaluated 2025-01-13.

Conditions:
Inborn genetic diseases. Identifiers: MedGen C0950123, MeSH D030342.

Allele frequency attached by ClinVar (database versions not stated): ExAC 0.00003; gnomAD 0.00004; TOPMed 0.00004.
gnomAD v4.1: 32 of 1,609,532 alleles (0.002%); highest among the groups gnomAD compares: Middle Eastern, 0.033%; no homozygotes.

Submissions (2):

Labcorp Genetics (formerly Invitae), Labcorp
Classification: Uncertain significance. Last evaluated: 2025-01-13. Review status: criteria provided, single submitter. Criteria: Invitae Variant Classification Sherloc (09022015). Collection method: clinical testing. Allele origin: germline.
Comment: This sequence change replaces threonine, which is neutral and polar, with methionine, which is neutral and non-polar, at codon 197 of the LHCGR protein (p.Thr197Met). This variant is present in population databases (rs767900216, gnomAD 0.02%). This variant has not been reported in the literature in individuals affected with LHCGR-related conditions. ClinVar contains an entry for this variant (Variation ID: 2302434). Invitae Evidence Modeling of protein sequence and biophysical properties (such as structural, functional, and spatial information, amino acid conservation, physicochemical variation, residue mobility, and thermodynamic stability) indicates that this missense variant is expected to disrupt LHCGR protein function with a positive predictive value of 80%. In summary, the available evidence is currently insufficient to determine the role of this variant in disease. Therefore, it has been classified as a Variant of Uncertain Significance.

Ambry Genetics
Classification: Uncertain significance for Inborn genetic diseases. Last evaluated: 2021-08-02. Review status: criteria provided, single submitter. Criteria: Ambry Variant Classification Scheme 2023. Collection method: clinical testing. Allele origin: germline.